The following is an entry in ClinVar:

NM_032208.3(ANTXR1):c.433del (p.Ile145fs)

Gene: ANTXR1 (ANTXR cell adhesion molecule 1; plus strand). Cytogenetic location: 2p13.3.
Variant type: Deletion.
Coding change: c.433del on transcript NM_032208.3 (MANE Select); coding-DNA position 433, one base deleted (A; older notation c.433delA).
Protein change: p.Ile145fs; shifts the reading frame from isoleucine 145.
Molecular consequence: frameshift variant.
Genome position (GRCh38, 1-based): chr2:69,073,042, A deleted. VCF-style (leftmost placement, unchanged base first): chr2-69073041-CA-C. GRCh37 (hg19) VCF-style: chr2-69300173-CA-C.
Other names: c.433del, p.Ile145fs (NM_001410840.1, NM_018153.3, NM_053034.2); short protein forms I145fs.
Identifiers: ClinVar variation 4852640 (VCV004852640.2).

ClinVar aggregate classification (germline): Likely pathogenic (1 of 4 stars; one submission).

Submission:

Dasa
Classification: Likely pathogenic. Last evaluated: 2025-09-02. Review status: criteria provided, single submitter. Criteria: DASA Assertion Criteria. Collection method: clinical testing. Allele origin: germline.
Comment: NM_032208.3(ANTXR1):c.433del (p.Ile145Serfs*4) is a frameshift variant in ANTXR1 predicted to alter the reading frame and introduce a premature termination codon and is predicted to result in an absent or altered protein product. Loss of function is an established disease mechanism for ANTXR1-associated disorders. Also, this variant is absent from population databases. Based on the currently available evidence, this variant is classified as likely pathogenic.